The following is an entry in ClinVar:

NM_001273.5(CHD4):c.2966T>C (p.Ile989Thr)

Gene: CHD4 (chromodomain helicase DNA binding protein 4; minus strand). Cytogenetic location: 12p13.31.
Variant type: single nucleotide variant.
Coding change: c.2966T>C on transcript NM_001273.5 (MANE Select); coding-DNA position 2966, T replaced by C.
Protein change: p.Ile989Thr; replaces isoleucine 989 with threonine.
Molecular consequence: missense variant.
Genome position (GRCh38, 1-based): chr12:6,592,040, A>G on the plus strand (T>C on the coding strand, the complement: CHD4 is on the minus strand). VCF-style: chr12-6592040-A-G. GRCh37 (hg19) VCF-style: chr12-6701206-A-G.
Other names: c.2945T>C, p.Ile982Thr (NM_001297553.2); c.2927T>C, p.Ile976Thr (NM_001363606.2); short protein forms I976T, I982T, I989T.
Identifiers: ClinVar variation 4882785 (VCV004882785.2).

ClinVar aggregate classification (germline): Likely pathogenic (1 of 4 stars; one submission).

Conditions:
Sifrim-Hitz-Weiss syndrome (SIHIWES). Also called: SIFRIM-HITZ-WEISS MULTIPLE CONGENITAL ANOMALIES-MENTAL RETARDATION SYNDROME; CHD4 Neurodevelopmental Disorder. Identifiers: Orphanet 653712, MedGen C4310688, MONDO:0014946, OMIM 617159.

Submission:

Dasa
Classification: Likely pathogenic for Sifrim-Hitz-Weiss syndrome. Last evaluated: 2025-10-23. Review status: criteria provided, single submitter. Criteria: DASA Assertion Criteria. Collection method: clinical testing. Allele origin: germline.
Comment: NM_001273.5(CHD4):c.2966T>C (p.Ile989Thr) is a missense variant that results in the substitution of isoleucine with threonine. This variant is absent from population databases. Computational evidence supports a deleterious effect. Based on the currently available evidence, this variant is classified as likely pathogenic.